The following is an entry in ClinVar:

ClinVar aggregate classification (germline): Pathogenic/Likely pathogenic. Review status: criteria provided, multiple submitters, no conflicts (2 of 4 stars). 2 submissions from 2 submitters: Pathogenic (1); Likely pathogenic (1). Last evaluated 2026-04-09.

Conditions:
Cardiovascular phenotype. Identifiers: MedGen CN230736.
Hypertrophic cardiomyopathy. Also called: HYPERTROPHIC MYOCARDIOPATHY. Identifiers: Orphanet 217569, MedGen C0007194, MeSH D002312, MONDO:0005045, HP:0001639.

Submissions (2):

Ambry Genetics
Classification: Likely pathogenic for Cardiovascular phenotype. Last evaluated: 2026-04-09. Review status: criteria provided, single submitter. Criteria: Ambry Variant Classification Scheme 2023. Collection method: clinical testing. Allele origin: germline.
Comment: The p.S782N variant (also known as c.2345G>A), located in coding exon 19 of the MYH7 gene, results from a G to A substitution at nucleotide position 2345. The serine at codon 782 is replaced by asparagine, an amino acid with highly similar properties. This variant was reported in individual(s) with hypertrophic cardiomyopathy (Rayment et al. Proc Natl Acad Sci USA. 1995;92(9):3864-8; Mohiddin et al. Genet Test. 2003;7(1):21-7; Witjas-Paalberends et al. Cardiovasc Res. 2013;99(3):432-41; Ambry internal data). This variant is located in the myosin head domain, which contains a statistically significant clustering of pathogenic missense variants (Homburger JR et al. Proc Natl Acad Sci U S A, 2016 06;113:6701-6; Walsh R et al. Genet Med, 2017 02;19:192-203; Ambry internal data). This amino acid position is not well conserved in available vertebrate species. In addition, the in silico prediction for this alteration is inconclusive. This variant is considered to be rare based on population cohorts in the Genome Aggregation Database (gnomAD). Based on the majority of available evidence to date, this variant is likely to be pathogenic.

Labcorp Genetics (formerly Invitae), Labcorp
Classification: Pathogenic for Hypertrophic cardiomyopathy. Last evaluated: 2024-08-24. Review status: criteria provided, single submitter. Criteria: Invitae Variant Classification Sherloc (09022015). Collection method: clinical testing. Allele origin: germline.
Comment: This sequence change replaces serine, which is neutral and polar, with asparagine, which is neutral and polar, at codon 782 of the MYH7 protein (p.Ser782Asn). This variant is not present in population databases (gnomAD no frequency). This missense change has been observed in individuals with hypertrophic cardiomyopathy (PMID: 12820698, 23674513). ClinVar contains an entry for this variant (Variation ID: 264539). Invitae Evidence Modeling of protein sequence and biophysical properties (such as structural, functional, and spatial information, amino acid conservation, physicochemical variation, residue mobility, and thermodynamic stability) indicates that this missense variant is expected to disrupt MYH7 protein function with a positive predictive value of 95%. This variant disrupts the p.Ser782 amino acid residue in MYH7. Other variant(s) that disrupt this residue have been determined to be pathogenic (PMID: 18533079, 23283745, 26914223, 27247418). This suggests that this residue is clinically significant, and that variants that disrupt this residue are likely to be disease-causing. For these reasons, this variant has been classified as Pathogenic.

Literature cited by the submitters: PubMed 12590187 (cited by Ambry Genetics); PubMed 12820698 (cited by Ambry Genetics and Labcorp Genetics (formerly Invitae), Labcorp); PubMed 18533079 (cited by Ambry Genetics and Labcorp Genetics (formerly Invitae), Labcorp); PubMed 23283745 (cited by Ambry Genetics and Labcorp Genetics (formerly Invitae), Labcorp); PubMed 23674513 (cited by Ambry Genetics and Labcorp Genetics (formerly Invitae), Labcorp); PubMed 27247418 (cited by Ambry Genetics and Labcorp Genetics (formerly Invitae), Labcorp); PubMed 7731997 (cited by Ambry Genetics); PubMed 26914223 (cited by Labcorp Genetics (formerly Invitae), Labcorp).

NM_000257.4(MYH7):c.2345G>A (p.Ser782Asn)

Genes: MYH7 (myosin heavy chain 7; minus strand), LOC126861898 (BRD4-independent group 4 enhancer GRCh37_chr14:23893609-23894808; plus strand). Cytogenetic location: 14q11.2.
Variant type: single nucleotide variant.
Coding change: c.2345G>A on transcript NM_000257.4 (MANE Select); coding-DNA position 2345, G replaced by A.
Protein change: p.Ser782Asn; replaces serine 782 with asparagine.
Molecular consequence: missense variant.
Genome position (GRCh38, 1-based): chr14:23,425,360, C>T on the plus strand (G>A on the coding strand, the complement: MYH7 is on the minus strand). VCF-style: chr14-23425360-C-T. GRCh37 (hg19) VCF-style: chr14-23894569-C-T.
Other names: c.2345G>A (LRG_384t1); short protein forms S782N.
Identifiers: ClinVar variation 264539 (VCV000264539.14), dbSNP rs886039185, ClinGen allele CA10587779.
Genomic context (GRCh38, chr14:23,425,360, plus strand): 5'-TTGTACTCCATTCTGGCGAGCACACCTCGGGACTGGGCCTGGATACGCGTGATGATGCGG[C>T]TCAGCCTCTCGTCCCTCATTTCCTCCAGCAGCCCCAGCAGCCCGGCCTTGAAGAACACCT-3'
Protein context (NP_000248.2, residues 772-792): LLEEMRDERL[Ser782Asn]RIITRIQAQS